The following is an entry in ClinVar:

ClinVar aggregate classification (germline): Uncertain significance. Review status: criteria provided, multiple submitters, no conflicts (2 of 4 stars). 6 submissions from 6 submitters: Uncertain significance (5). 1 of the submissions does not count toward it. Last evaluated 2026-06-03.

Conditions:
Neuronal ceroid lipofuscinosis 7 (CLN7). Also called: MFSD8-Related Neuronal Ceroid-Lipofuscinosis. Identifiers: Orphanet 168491, Orphanet 228366, MedGen C1838571, MONDO:0012588, OMIM 610951.
MFSD8-related disorder. Also called: MFSD8-related condition.
Inborn genetic diseases. Identifiers: MedGen C0950123, MeSH D030342.
Late-infantile neuronal ceroid lipofuscinosis. Also called: Jansky-Bielschowsky disease. Identifiers: MedGen C0022340, MONDO:0015674.

Allele frequency attached by ClinVar (database versions not stated): ExAC 0.00002; gnomAD exomes 0.00003; gnomAD 0.00009 and 0.00010; TOPMed 0.00010.

Submissions (6):

PreventionGenetics, part of Exact Sciences
Classification: Uncertain significance for MFSD8-related condition. Last evaluated: 2026-06-03. Review status: criteria provided, single submitter. Criteria: ACMG Guidelines, 2015. Collection method: clinical testing. Allele origin: germline.
Comment: The MFSD8 c.576C>G variant is predicted to result in the amino acid substitution p.Phe192Leu. To our knowledge, this variant has not been reported in the literature. This variant is reported in 0.011% of alleles in individuals of Latino descent in gnomAD. At this time, the clinical significance of this variant is uncertain due to the absence of conclusive functional and genetic evidence.

GeneDx
Classification: Uncertain significance. Last evaluated: 2025-12-18. Review status: criteria provided, single submitter. Criteria: GeneDx Variant Classification Process June 2021. Collection method: clinical testing. Allele origin: germline. Affected: yes.
Comment: Not observed at significant frequency in large population cohorts (gnomAD); In silico analysis suggests that this missense variant does not alter protein structure/function; Has not been previously published as pathogenic or benign to our knowledge

Labcorp Genetics (formerly Invitae), Labcorp
Classification: Uncertain significance for Neuronal ceroid lipofuscinosis 7. Last evaluated: 2022-10-17. Review status: criteria provided, single submitter. Criteria: Invitae Variant Classification Sherloc (09022015). Collection method: clinical testing. Allele origin: germline.
Comment: This sequence change replaces phenylalanine, which is neutral and non-polar, with leucine, which is neutral and non-polar, at codon 192 of the MFSD8 protein (p.Phe192Leu). This variant is present in population databases (rs777020801, gnomAD 0.01%). This variant has not been reported in the literature in individuals affected with MFSD8-related conditions. ClinVar contains an entry for this variant (Variation ID: 589864). Advanced modeling of protein sequence and biophysical properties (such as structural, functional, and spatial information, amino acid conservation, physicochemical variation, residue mobility, and thermodynamic stability) performed at Invitae indicates that this missense variant is not expected to disrupt MFSD8 protein function. In summary, the available evidence is currently insufficient to determine the role of this variant in disease. Therefore, it has been classified as a Variant of Uncertain Significance.

Blueprint Genetics
Classification: Uncertain significance. Last evaluated: 2022-04-12. Review status: criteria provided, single submitter. Criteria: ACMG Guidelines, 2015. Collection method: clinical testing. Allele origin: germline.

Ambry Genetics
Classification: Uncertain significance for Inborn genetic diseases. Last evaluated: 2016-06-24. Review status: criteria provided, single submitter. Criteria: Ambry Variant Classification Scheme 2023. Collection method: clinical testing. Allele origin: germline.
Comment: The p.F192L variant (also known as c.576C>G), located in coding exon 6 of the MFSD8 gene, results from a C to G substitution at nucleotide position 576. The phenylalanine at codon 192 is replaced by leucine, an amino acid with highly similar properties. This variant was not reported in population based cohorts in the following databases: Database of Single Nucleotide Polymorphisms (dbSNP), NHLBI Exome Sequencing Project (ESP), and 1000 Genomes Project. In the ESP, this variant was not observed in 6501 samples (13002 alleles) with coverage at this position. This amino acid position is not well conserved in available vertebrate species. In addition, this alteration is predicted to be tolerated by in silico analysis. Since supporting evidence is limited at this time, the clinical significance of this alteration remains unclear.

Natera, Inc.
Classification: Uncertain significance for Late-infantile neuronal ceroid lipofuscinosis. Last evaluated: 2019-11-11. Review status: no assertion criteria provided. Collection method: clinical testing. Allele origin: germline. Not counted in ClinVar's aggregate classification.

NM_001371596.2(MFSD8):c.576C>G (p.Phe192Leu)

Gene: MFSD8 (major facilitator superfamily domain containing 8; minus strand). Cytogenetic location: 4q28.2.
Variant type: single nucleotide variant.
Coding change: c.576C>G on transcript NM_001371596.2 (MANE Select); coding-DNA position 576, C replaced by G.
Protein change: p.Phe192Leu; replaces phenylalanine 192 with leucine.
Molecular consequence: missense variant. On other transcripts: intron variant (5).
Genome position (GRCh38, 1-based): chr4:127,939,975, G>C on the plus strand (C>G on the coding strand, the complement: MFSD8 is on the minus strand). VCF-style: chr4-127939975-G-C. GRCh37 (hg19) VCF-style: chr4-128861130-G-C.
Other names: c.441C>G, p.Phe147Leu (NM_001371590.2); c.576C>G, p.Phe192Leu (NM_001371591.2, NM_152778.4); c.582C>G, p.Phe194Leu (NM_001371592.2); c.462C>G, p.Phe154Leu (NM_001371593.2, NM_001410766.1); c.419-1139C>G (NM_001371595.1); c.304+3777C>G (NM_001410765.1); c.439+3777C>G (NM_001363521.3); c.553+2070C>G (NM_001363520.3); and 1 more; short protein forms F192L, F147L, F154L, F194L.
Identifiers: ClinVar variation 589864 (VCV000589864.18), dbSNP rs777020801, ClinGen allele CA3077430.